The following is an entry in ClinVar:

NM_033163.5(FGF8):c.278A>G (p.His93Arg)

Gene: FGF8 (fibroblast growth factor 8; minus strand). Cytogenetic location: 10q24.32.
Variant type: single nucleotide variant.
Coding change: c.278A>G on transcript NM_033163.5 (MANE Select); coding-DNA position 278, A replaced by G.
Protein change: p.His93Arg; replaces histidine 93 with arginine.
Molecular consequence: missense variant. On other transcripts: 5 prime UTR variant (1).
Genome position (GRCh38, 1-based): chr10:101,774,791, T>C on the plus strand (A>G on the coding strand, the complement: FGF8 is on the minus strand). VCF-style: chr10-101774791-T-C. GRCh37 (hg19) VCF-style: chr10-103534548-T-C.
Other names: c.-35A>G (NM_001206389.2); c.191A>G, p.His64Arg (NM_006119.6); c.245A>G, p.His82Arg (NM_033164.4); c.158A>G, p.His53Arg (NM_033165.5); short protein forms H53R, H64R, H82R, H93R.
Identifiers: ClinVar variation 1708951 (VCV001708951.2), dbSNP rs2539366739, ClinGen allele CA377836561.

ClinVar aggregate classification (germline): Uncertain significance (1 of 4 stars; one submission).

Conditions:
Hypogonadotropic hypogonadism 6 with or without anosmia (HH6). Also called: HYPOGONADOTROPIC HYPOGONADISM 6 WITHOUT ANOSMIA; HYPOGONADOTROPIC HYPOGONADISM 6 WITH ANOSMIA; FGF8-Related GnRH Deficiency (Kallmann Syndrome 6). Identifiers: Orphanet 478, MedGen C3552574, MONDO:0012988, OMIM 612702.

Submission:

MGZ Medical Genetics Center
Classification: Uncertain significance for Hypogonadotropic hypogonadism 6 with or without anosmia. Last evaluated: 2022-08-24. Review status: criteria provided, single submitter. Criteria: ACMG Guidelines, 2015. Collection method: clinical testing. Allele origin: germline. Affected: yes. Observed: 1 variant allele.
Comment: ACMG criteria applied: PM2_SUP, PP3